The following is an entry in ClinVar:

ClinVar aggregate classification (germline): Uncertain significance (1 of 4 stars; one submission).

Conditions:
Catecholaminergic polymorphic ventricular tachycardia 1. Also called: VENTRICULAR TACHYCARDIA, CATECHOLAMINERGIC POLYMORPHIC, 1, WITH OR WITHOUT ATRIAL DYSFUNCTION AND/OR DILATED CARDIOMYOPATHY; VENTRICULAR TACHYCARDIA, STRESS-INDUCED POLYMORPHIC 1; RYR2-Related Catecholaminergic Polymorphic Ventricular Tachycardia. Identifiers: Orphanet 3286, MedGen C1631597, MONDO:0011484, OMIM 604772.

Allele frequency attached by ClinVar (database versions not stated): TOPMed 0.00001.

Submission:

Labcorp Genetics (formerly Invitae), Labcorp
Classification: Uncertain significance for Catecholaminergic polymorphic ventricular tachycardia 1. Last evaluated: 2021-08-26. Review status: criteria provided, single submitter. Criteria: Invitae Variant Classification Sherloc (09022015). Collection method: clinical testing. Allele origin: germline.
Comment: This sequence change replaces asparagine with lysine at codon 298 of the CASQ2 protein (p.Asn298Lys). The asparagine residue is highly conserved and there is a moderate physicochemical difference between asparagine and lysine. This variant is not present in population databases (ExAC no frequency). This variant has not been reported in the literature in individuals affected with CASQ2-related conditions. Algorithms developed to predict the effect of missense changes on protein structure and function are either unavailable or do not agree on the potential impact of this missense change (SIFT: "Tolerated"; PolyPhen-2: "Possibly Damaging"; Align-GVGD: "Class C0"). In summary, the available evidence is currently insufficient to determine the role of this variant in disease. Therefore, it has been classified as a Variant of Uncertain Significance.

NM_001232.4(CASQ2):c.894C>A (p.Asn298Lys)

Gene: CASQ2 (calsequestrin 2; minus strand). Cytogenetic location: 1p13.1.
Variant type: single nucleotide variant.
Coding change: c.894C>A on transcript NM_001232.4 (MANE Select); coding-DNA position 894, C replaced by A.
Protein change: p.Asn298Lys; replaces asparagine 298 with lysine.
Molecular consequence: missense variant.
Genome position (GRCh38, 1-based): chr1:115,705,237, G>T on the plus strand (C>A on the coding strand, the complement: CASQ2 is on the minus strand). VCF-style: chr1-115705237-G-T. GRCh37 (hg19) VCF-style: chr1-116247858-G-T.
Other names: short protein forms N298K.
Identifiers: ClinVar variation 579620 (VCV000579620.4), dbSNP rs923161859, ClinGen allele CA29614663.